The following is an entry in ClinVar:

ClinVar aggregate classification (germline): Uncertain significance (1 of 4 stars; one submission).

Conditions:
Ciliary dyskinesia, primary, 37 (CILD37). Also called: CILIARY DYSKINESIA, PRIMARY, 37, WITH OR WITHOUT SITUS INVERSUS. Identifiers: MedGen C4539798, MONDO:0033204, OMIM 617577.
Spermatogenic failure 18. Identifiers: MedGen C4539783, MONDO:0054615, OMIM 617576.

Submission:

Juno Genomics, Hangzhou Juno Genomics, Inc
Classification: Uncertain significance for Spermatogenic failure 18; Ciliary dyskinesia, primary, 37. Review status: criteria provided, single submitter. Criteria: ACMG Guidelines, 2015. Collection method: clinical testing. Allele origin: germline.
Comment: Absent from controls (or at extremely low frequency if recessive) in Genome Aggregation Database.;Multiple lines of computational evidence support a deleterious effect on the gene or gene product.

NM_015512.5(DNAH1):c.3455C>T (p.Ala1152Val)

Gene: DNAH1 (dynein axonemal heavy chain 1; plus strand). Cytogenetic location: 3p21.1.
Variant type: single nucleotide variant.
Coding change: c.3455C>T on transcript NM_015512.5 (MANE Select); coding-DNA position 3455, C replaced by T.
Protein change: p.Ala1152Val; replaces alanine 1152 with valine.
Molecular consequence: missense variant.
Genome position (GRCh38, 1-based): chr3:52,353,608, C>T. VCF-style: chr3-52353608-C-T. GRCh37 (hg19) VCF-style: chr3-52387624-C-T.
Other names: short protein forms A1152V.
Identifiers: ClinVar variation 5019317 (VCV005019317.2).
Genomic context (GRCh38, chr3:52,353,608, plus strand): 5'-GCTGCCTGGAGATGAACCTGCAGGACCATATCGAGAGCATCAGCAAGGTGGCTGAGGTGG[C>T]TGGCAAGGAGTACGCCATCGAGCAGGTGGGTAGCCACCAGCGGGCCCAGCCACTCCAGCC-3'
Protein context (NP_056327.4, residues 1142-1162): IESISKVAEV[Ala1152Val]GKEYAIEQAL